The following is an entry in ClinVar:

NM_000377.3(WAS):c.1009G>A (p.Gly337Ser)

Gene: WAS (WASP actin nucleation promoting factor; plus strand). Cytogenetic location: Xp11.23.
Variant type: single nucleotide variant.
Coding change: c.1009G>A on transcript NM_000377.3 (MANE Select); coding-DNA position 1009, G replaced by A.
Protein change: p.Gly337Ser; replaces glycine 337 with serine.
Molecular consequence: missense variant.
Genome position (GRCh38, 1-based): chrX:48,688,737, G>A. VCF-style: chrX-48688737-G-A. GRCh37 (hg19) VCF-style: chrX-48547126-G-A.
Other names: short protein forms G337S.
Identifiers: ClinVar variation 2926302 (VCV002926302.3), dbSNP rs1557007149, ClinGen allele CA412872957.

ClinVar aggregate classification (germline): Uncertain significance (1 of 4 stars; one submission).

Conditions:
Wiskott-Aldrich syndrome (WAS). Also called: ALDRICH SYNDROME; IMMUNODEFICIENCY 2; WISKOTT-ALDRICH SYNDROME 1; Wiskott-aldrich syndrome, somatic. Identifiers: Orphanet 906, MedGen C0043194, MONDO:0010518, OMIM 301000.
X-linked severe congenital neutropenia (SCNX). Identifiers: Orphanet 86788, MedGen C1845987, MONDO:0010294, OMIM 300299.
Thrombocytopenia 1. Also called: X-linked thrombocytopenia with normal platelets; X-Linked Thrombocytopenia (XLT); THROMBOCYTOPENIA, X-LINKED, 1. Identifiers: Orphanet 268322, Orphanet 852, MedGen C1839163, MONDO:0010743, OMIM 313900.

Allele frequency attached by ClinVar (database versions not stated): gnomAD exomes below 0.00001.
gnomAD v4.1: 1 of 1,171,844 alleles (0.000085%); highest among the groups gnomAD compares: Non-Finnish European, 0.00011%; no homozygotes.

Submission:

Labcorp Genetics (formerly Invitae), Labcorp
Classification: Uncertain significance for Wiskott-Aldrich syndrome; X-linked severe congenital neutropenia; Thrombocytopenia 1. Last evaluated: 2023-08-08. Review status: criteria provided, single submitter. Criteria: Invitae Variant Classification Sherloc (09022015). Collection method: clinical testing. Allele origin: germline.
Comment: This sequence change replaces glycine, which is neutral and non-polar, with serine, which is neutral and polar, at codon 337 of the WAS protein (p.Gly337Ser). This variant is present in population databases (no rsID available, gnomAD 0.002%), including at least one homozygous and/or hemizygous individual. In summary, the available evidence is currently insufficient to determine the role of this variant in disease. Therefore, it has been classified as a Variant of Uncertain Significance. Advanced modeling of protein sequence and biophysical properties (such as structural, functional, and spatial information, amino acid conservation, physicochemical variation, residue mobility, and thermodynamic stability) performed at Invitae indicates that this missense variant is not expected to disrupt WAS protein function. This variant has not been reported in the literature in individuals affected with WAS-related conditions.